The following is an entry in ClinVar:

NM_003906.5(MCM3AP):c.446T>C (p.Leu149Pro)

Gene: MCM3AP (minichromosome maintenance complex component 3 associated protein; minus strand). Cytogenetic location: 21q22.3.
Variant type: single nucleotide variant.
Coding change: c.446T>C on transcript NM_003906.5 (MANE Select); coding-DNA position 446, T replaced by C.
Protein change: p.Leu149Pro; replaces leucine 149 with proline.
Molecular consequence: missense variant.
Genome position (GRCh38, 1-based): chr21:46,284,841, A>G on the plus strand (T>C on the coding strand, the complement: MCM3AP is on the minus strand). VCF-style: chr21-46284841-A-G. GRCh37 (hg19) VCF-style: chr21-47704755-A-G.
Other names: short protein forms L149P.
Identifiers: ClinVar variation 1970824 (VCV001970824.5), dbSNP rs2517440433, ClinGen allele CA410536951.
Genomic context (GRCh38, chr21:46,284,841, plus strand): 5'-CTCTGGGTTTTCTCTGGCTCAGATTCAGCCCCCAGTATTGGTTTGAACACTGCATTTTCC[A>G]GAGGTTTAAAGCTGAATTCTGTTTTCCCAAAACCAGAGTTCACTATTTCTCCAGCTTCTT-3'
Protein context (NP_003897.2, residues 139-159): FGKTEFSFKP[Leu149Pro]ENAVFKPILG

ClinVar aggregate classification (germline): Uncertain significance (1 of 4 stars; one submission).

Allele frequency attached by ClinVar (database versions not stated): gnomAD exomes below 0.00001.
gnomAD v4.1: 1 of 1,614,150 alleles (0.000062%); highest among the groups gnomAD compares: Non-Finnish European, 0.000085%; no homozygotes.

Submission:

Labcorp Genetics (formerly Invitae), Labcorp
Classification: Uncertain significance. Last evaluated: 2022-03-08. Review status: criteria provided, single submitter. Criteria: Invitae Variant Classification Sherloc (09022015). Collection method: clinical testing. Allele origin: germline.
Comment: This sequence change replaces leucine, which is neutral and non-polar, with proline, which is neutral and non-polar, at codon 149 of the MCM3AP protein (p.Leu149Pro). In summary, the available evidence is currently insufficient to determine the role of this variant in disease. Therefore, it has been classified as a Variant of Uncertain Significance. Algorithms developed to predict the effect of missense changes on protein structure and function output the following: SIFT: "Tolerated"; PolyPhen-2: "Benign"; Align-GVGD: "Class C0". The proline amino acid residue is found in multiple mammalian species, which suggests that this missense change does not adversely affect protein function. This variant has not been reported in the literature in individuals affected with MCM3AP-related conditions. This variant is not present in population databases (gnomAD no frequency).